The following is an entry in ClinVar:

ClinVar aggregate classification (germline): Uncertain significance (1 of 4 stars; one submission).

Conditions:
GM1 gangliosidosis. Identifiers: Orphanet 354, MedGen C0085131, MONDO:0018149.
Mucopolysaccharidosis, MPS-IV-B (MPS4B). Also called: MORQUIO SYNDROME B; Mucopolysaccharidosis Type IVB (Morquio B Disease); Mucopolysaccharidosis type IV B; Mucopolysaccharidosis Type IVB; Mucopolysaccharidosis type 4B; Mucopolysaccharidosis type IVB (Morquio). Identifiers: Orphanet 309310, Orphanet 582, MedGen C0086652, MONDO:0009660, OMIM 253010.

Allele frequency attached by ClinVar (database versions not stated): TOPMed below 0.00001; ExAC 0.00001; gnomAD 0.00001.
gnomAD v4.1: 1 of 1,613,974 alleles (0.000062%); highest among the groups gnomAD compares: African/African-American, 0.0013%; no homozygotes.

Submission:

Labcorp Genetics (formerly Invitae), Labcorp
Classification: Uncertain significance for Mucopolysaccharidosis, MPS-IV-B; GM1 gangliosidosis. Last evaluated: 2024-10-16. Review status: criteria provided, single submitter. Criteria: Invitae Variant Classification Sherloc (09022015). Collection method: clinical testing. Allele origin: germline.
Comment: This sequence change replaces serine, which is neutral and polar, with arginine, which is basic and polar, at codon 400 of the GLB1 protein (p.Ser400Arg). This variant is present in population databases (rs775847273, gnomAD 0.007%). This variant has not been reported in the literature in individuals affected with GLB1-related conditions. ClinVar contains an entry for this variant (Variation ID: 2094626). Invitae Evidence Modeling of protein sequence and biophysical properties (such as structural, functional, and spatial information, amino acid conservation, physicochemical variation, residue mobility, and thermodynamic stability) indicates that this missense variant is expected to disrupt GLB1 protein function with a positive predictive value of 95%. In summary, the available evidence is currently insufficient to determine the role of this variant in disease. Therefore, it has been classified as a Variant of Uncertain Significance.

NM_000404.4(GLB1):c.1198A>C (p.Ser400Arg)

Gene: GLB1 (galactosidase beta 1; minus strand). Cytogenetic location: 3p22.3.
Variant type: single nucleotide variant.
Coding change: c.1198A>C on transcript NM_000404.4 (MANE Select); coding-DNA position 1198, A replaced by C.
Protein change: p.Ser400Arg; replaces serine 400 with arginine.
Molecular consequence: missense variant.
Genome position (GRCh38, 1-based): chr3:33,021,601, T>G on the plus strand (A>C on the coding strand, the complement: GLB1 is on the minus strand). VCF-style: chr3-33021601-T-G. GRCh37 (hg19) VCF-style: chr3-33063093-T-G.
Other names: c.1108A>C, p.Ser370Arg (NM_001079811.3); c.805A>C, p.Ser269Arg (NM_001135602.3); c.1342A>C, p.Ser448Arg (NM_001317040.2); c.1198A>C, p.Ser400Arg (NM_001393580.1); short protein forms S400R, S269R, S370R, S448R.
Identifiers: ClinVar variation 2094626 (VCV002094626.4), dbSNP rs775847273, ClinGen allele CA2299470.